The following is an entry in ClinVar:

ClinVar aggregate classification (germline): Uncertain significance. Review status: criteria provided, single submitter (1 of 4 stars). 2 submissions from 2 submitters: Uncertain significance (1). 1 of the submissions does not count toward it. Last evaluated 2025-08-05.

Conditions:
Inborn genetic diseases. Identifiers: MedGen C0950123, MeSH D030342.

Allele frequency attached by ClinVar (database versions not stated): gnomAD exomes below 0.00001; gnomAD 0.00005 and 0.00006; TOPMed 0.00005.
gnomAD v4.1: 12 of 1,613,948 alleles (0.00074%); highest among the groups gnomAD compares: African/African-American, 0.015%; no homozygotes.

Submissions (2):

Ambry Genetics
Classification: Uncertain significance for Inborn genetic diseases. Last evaluated: 2025-08-05. Review status: criteria provided, single submitter. Criteria: Ambry Variant Classification Scheme 2023. Collection method: clinical testing. Allele origin: germline.

Department of Pathology and Laboratory Medicine, Sinai Health System
Classification: Uncertain significance. Review status: no assertion criteria provided. Collection method: clinical testing. Allele origin: unknown. Affected: yes. Study: The Canadian Open Genetics Repository (COGR). Not counted in ClinVar's aggregate classification.
Comment: The SACS p.Leu661Pro variant was not identified in the literature nor was it identified in ClinVar, Cosmic, or LOVD 3.0. The variant was identified in dbSNP (ID: rs923118368) and in control databases in 1 of 251310 chromosomes at a frequency of 0.000004 (Genome Aggregation Database Feb 27, 2017). The variant was observed in the African population in 1 of 16250 chromosomes (freq: 0.000062); it was not observed in the Latino, Ashkenazi Jewish, East Asian, European (Finnish), European (non-Finnish), Other, and South Asian populations. The p.Leu661 residue is conserved in mammals and computational analyses (PolyPhen-2, SIFT, AlignGVGD, BLOSUM, MutationTaster) provide inconsistent predictions regarding the impact to the protein; this information is not very predictive of pathogenicity. The variant occurs outside of the splicing consensus sequence and in silico or computational prediction software programs (SpliceSiteFinder, MaxEntScan, NNSPLICE, GeneSplicer) do not predict a difference in splicing. In summary, based on the above information the clinical significance of this variant cannot be determined with certainty at this time. This variant is classified as a variant of uncertain significance.

NM_014363.6(SACS):c.2423T>C (p.Leu808Pro)

Gene: SACS (sacsin molecular chaperone; minus strand). Cytogenetic location: 13q12.12.
Variant type: single nucleotide variant.
Coding change: c.2423T>C on transcript NM_014363.6 (MANE Select); coding-DNA position 2423, T replaced by C.
Protein change: p.Leu808Pro; replaces leucine 808 with proline.
Molecular consequence: missense variant.
Genome position (GRCh38, 1-based): chr13:23,341,453, A>G on the plus strand (T>C on the coding strand, the complement: SACS is on the minus strand). VCF-style: chr13-23341453-A-G. GRCh37 (hg19) VCF-style: chr13-23915592-A-G.
Other names: c.1982T>C, p.Leu661Pro (NM_001278055.2); c.2423T>C (NM_014363.4); short protein forms L661P, L808P.
Identifiers: ClinVar variation 1048849 (VCV001048849.2), dbSNP rs923118368, ClinGen allele CA246663513.